The following is an entry in ClinVar:

ClinVar aggregate classification (germline): Pathogenic/Likely pathogenic. Review status: criteria provided, multiple submitters, no conflicts (2 of 4 stars). 10 submissions from 10 submitters: Pathogenic (4); Likely pathogenic (4). 2 of the submissions do not count toward it. Last evaluated 2025-12-08.

Conditions:
Melnick-Needles syndrome (MNS). Also called: Melnick-Needles Syndrome (FLNA-MNS); MELNICK-NEEDLES OSTEODYSPLASTY; OSTEODYSPLASTY OF MELNICK AND NEEDLES. Identifiers: Orphanet 2484, MedGen C0025237, MONDO:0010650, OMIM 309350.
Oto-palato-digital syndrome, type I (OPD1). Also called: Otopalatodigital Syndrome, Type I; Otopalatodigital Syndrome Type 1 (FLNA-OPD1); OPD I SYNDROME; OPD SYNDROME 1; Taybi syndrome. Identifiers: Orphanet 669, Orphanet 90650, MedGen C0265251, MONDO:0010704, OMIM 311300.
Oto-palato-digital syndrome, type II (OPD2). Also called: FACIOPALATOOSSEOUS SYNDROME; Otopalatodigital Syndrome, Type II; Otopalatodigital Syndrome Type 2 (FLNA-OPD2); OPD II SYNDROME. Identifiers: Orphanet 669, Orphanet 90652, MedGen C1844696, MONDO:0010571, OMIM 304120.
Heterotopia, periventricular, X-linked dominant (PVNH1). Also called: X-linked periventricular heterotopia; PERIVENTRICULAR NODULAR HETEROTOPIA 4; HETEROTOPIA, PERIVENTRICULAR, 1; PERIVENTRICULAR NODULAR HETEROTOPIA 1. Identifiers: Orphanet 2149, Orphanet 82004, MedGen C1848213, MONDO:0010233, OMIM 300049.
Frontometaphyseal dysplasia (FMD1). Identifiers: Orphanet 1826, MedGen C0265293, MONDO:0015942.
FLNA-related disorder.

Submissions (10):

Labcorp Genetics (formerly Invitae), Labcorp
Classification: Pathogenic for Oto-palato-digital syndrome, type II; Heterotopia, periventricular, X-linked dominant; Frontometaphyseal dysplasia; Melnick-Needles syndrome. Last evaluated: 2025-12-08. Review status: criteria provided, single submitter. Criteria: Invitae Variant Classification Sherloc (09022015). Collection method: clinical testing. Allele origin: germline.
Comment: This sequence change replaces serine, which is neutral and polar, with leucine, which is neutral and non-polar, at codon 1199 of the FLNA protein (p.Ser1199Leu). This variant is not present in population databases (gnomAD no frequency). This missense change has been observed in individual(s) with Melnick Needles syndrome (PMID: 12612583, 20186808, 26404489). In at least one individual the variant was observed to be de novo. ClinVar contains an entry for this variant (Variation ID: 11759). Invitae Evidence Modeling of protein sequence and biophysical properties (such as structural, functional, and spatial information, amino acid conservation, physicochemical variation, residue mobility, and thermodynamic stability) has been performed for this missense variant. However, the output from this modeling did not meet the statistical confidence thresholds required to predict the impact of this variant on FLNA protein function. For these reasons, this variant has been classified as Pathogenic.

3billion
Classification: Likely pathogenic for Melnick-Needles syndrome. Last evaluated: 2025-11-20. Review status: criteria provided, single submitter. Criteria: ACMG Guidelines, 2015. Collection method: clinical testing. Allele origin: germline. Affected: yes.
Comment: The variant is not observed in the gnomAD v4.1.0 dataset. Predicted Consequence/Location: Missense variant In silico tool predictions suggest damaging effect of the variant on gene or gene product [REVEL: 0.84 (>=0.6, sensitivity 0.68 and specificity 0.92)]. The same nucleotide change resulting in the same amino acid change has been previously reported as pathogenic/likely pathogenic with strong evidence (ClinVar ID: VCV000011759 /PMID: 12612583). The variant has been previously reported as assumed (i.e. paternity and maternity not confirmed) de novo in at least one similarly affected unrelated individual (PMID: 12612583). Therefore, this variant is classified as Likely pathogenic according to the recommendation of ACMG/AMP guideline.

Victorian Clinical Genetics Services, Murdoch Childrens Research Institute
Classification: Pathogenic for Melnick-Needles syndrome. Last evaluated: 2025-10-27. Review status: criteria provided, single submitter. Criteria: ACMG Guidelines, 2015. Collection method: clinical testing. Allele origin: germline. Affected: yes.
Comment: This variant is classified as Pathogenic. Evidence in support of pathogenic classification: Variant is absent from gnomAD (v2, v3 and v4); This variant has strong previous evidence of pathogenicity in unrelated individuals. This variant has been classified as pathogenic and likely pathogenic by multiple clinical laboratories (ClinVar). In several of these individuals the variant was proven to be de novo (PMID: 12612583, 26404489). Additional information: Variant is predicted to result in a missense amino acid change from Ser to Leu; This variant is heterozygous; This gene is associated with both X-linked recessive and dominant disease. Males are typically more severely affected than females (OMIM); Loss of function and gain of function are known mechanisms of disease in this gene. Loss of function variants are reported to cause periventricular nodular heterotopia, X-linked cardiac valvular dystrophy and gastrointestinal diseases, whereas gain of function missense variants and small in-frame deletions lead to the Oto-palato-digital spectrum of disease. X-linked cardiac valvular dystrophy is caused by mostly missense or splice variants in filamin repeats 1, 4, 5, 6 and 7 (PMID: 30089473).

Revvity Omics, Revvity
Classification: Likely pathogenic. Last evaluated: 2023-10-18. Review status: criteria provided, single submitter. Criteria: ACMG Guidelines, 2015. Collection method: clinical testing. Allele origin: germline.

Blueprint Genetics
Classification: Pathogenic for FLNA-related disorders. Last evaluated: 2023-06-01. Review status: criteria provided, single submitter. Criteria: ACMG Guidelines, 2015. Collection method: clinical testing. Allele origin: germline. Affected: yes. Observed: 3 variant alleles.

Genetics and Molecular Pathology, SA Pathology
Classification: Likely pathogenic for Melnick-Needles syndrome. Last evaluated: 2022-11-02. Review status: criteria provided, single submitter. Criteria: ACMG Guidelines, 2015. Collection method: clinical testing. Allele origin: germline. Inheritance: X-linked dominant inheritance. Affected: yes.
Comment: The FLNA c.3596C>T variant is classified as a LIKELY PATHOGENIC variant (PS4, PM2, PP3) The variant is a single nucleotide change in exon 22/48 of the FLNA gene, which is predicted to change the amino acid serine at position 1199 in the protein to leucine. This is a recurrent pathogenic variant in the FLNA gene, and has been previously reported in many individuals affected with Melnick Needle syndrome in both states of hemizygous (in males, more severe) and heterozygous (in females, less severe) (PMID: 12612583, 20186808 26404489) (PS4). The variant is in dbSNP (rs28935473) but is absent from population databases (PM2). The variant has been reported in ClinVar as pathogenic (Variation ID: 11759). The variant has been reported in HGMD as disease causing (Accession no.: CM030673). Computational predictions support a deleterious effect on the gene or gene product (PP3). Clinical review is recommended. *Hemizygous mutation in males causes more severe phenotypes. Monoallelic mutations in females may cause disease with less severe, later onset than males. **'Limited' Gene-disease association with Vascular abnormality and hyperflexi joint (EDS-like) (PMID: 29334594) (AusPanelApp 2022).

Claritas Genomics
Classification: Pathogenic for Melnick-Needles Syndrome. Last evaluated: 2008-12-17. Review status: criteria provided, single submitter. Criteria: ACMG Guidelines, 2007. Collection method: clinical testing. Allele origin: germline. Inheritance: X-linked inheritance.

Juno Genomics, Hangzhou Juno Genomics, Inc
Classification: Likely pathogenic for Melnick-Needles syndrome; Oto-palato-digital syndrome, type I; Oto-palato-digital syndrome, type II. Review status: criteria provided, single submitter. Criteria: ACMG Guidelines, 2015. Collection method: clinical testing. Allele origin: germline. Affected: yes.
Comment: Absent from controls (or at extremely low frequency if recessive) in Genome Aggregation Database, Exome Sequencing Project, 1000 Genomes Project, or Exome Aggregation Consortium.;Multiple lines of computational evidence support a deleterious effect on the gene or gene product (conservation, evolutionary, splicing impact, etc).;The prevalence of the variant in affected individuals is significantly increased compared to the prevalence in controls.;Assumed de novo, but without confirmation of paternity and maternity.

OMIM
Classification: Pathogenic for MELNICK-NEEDLES SYNDROME. Last evaluated: 2003-04-01. Review status: no assertion criteria provided. Collection method: literature only. Allele origin: germline. Not counted in ClinVar's aggregate classification.

GeneReviews
No classification provided. Condition: Melnick-Needles syndrome. Review status: no classification provided. Collection method: literature only. Allele origin: unknown. Not counted in ClinVar's aggregate classification.

Literature cited by the submitters: PubMed 12612583 (cited by 6 submitters); PubMed 20186808 (cited by Labcorp Genetics (formerly Invitae), Labcorp and Genetics and Molecular Pathology, SA Pathology); PubMed 26404489 (cited by Labcorp Genetics (formerly Invitae), Labcorp and Victorian Clinical Genetics Services, Murdoch Childrens Research Institute); PubMed 30089473 (cited by Victorian Clinical Genetics Services, Murdoch Childrens Research Institute); PubMed 29334594 (cited by Genetics and Molecular Pathology, SA Pathology); PubMed 15917206 (cited by OMIM); PubMed 16538226 (cited by GeneReviews); PubMed 20301567 (cited by GeneReviews); NCBI Bookshelf NBK1393 (cited by GeneReviews).

NM_001110556.2(FLNA):c.3596C>T (p.Ser1199Leu)

Gene: FLNA (filamin A; minus strand). Cytogenetic location: Xq28.
Variant type: single nucleotide variant.
Coding change: c.3596C>T on transcript NM_001110556.2 (MANE Select); coding-DNA position 3596, C replaced by T.
Protein change: p.Ser1199Leu; replaces serine 1199 with leucine.
Molecular consequence: missense variant.
Genome position (GRCh38, 1-based): chrX:154,360,199, G>A on the plus strand (C>T on the coding strand, the complement: FLNA is on the minus strand). VCF-style: chrX-154360199-G-A. GRCh37 (hg19) VCF-style: chrX-153588567-G-A.
Other names: c.3596C>T, p.Ser1199Leu (NM_001456.4); short protein forms S1199L.
Identifiers: ClinVar variation 11759 (VCV000011759.18), dbSNP rs28935473, ClinGen allele CA341132.